The following is an entry in ClinVar:

ClinVar aggregate classification (germline): Likely pathogenic (1 of 4 stars; one submission).

Conditions:
Muscular dystrophy, congenital, with cataracts and impaired intellectual development. Also called: Congenital muscular dystrophy with cataracts and intellectual disability. Identifiers: Orphanet 662184, MedGen C4479410, MONDO:0024607, OMIM 617404.

Submission:

Juno Genomics, Hangzhou Juno Genomics, Inc
Classification: Likely pathogenic for Muscular dystrophy, congenital, with cataracts and impaired intellectual development. Review status: criteria provided, single submitter. Criteria: ACMG Guidelines, 2015. Collection method: clinical testing. Allele origin: germline.
Comment: Null variant in a gene where loss of function (LOF) is a known mechanism of disease.;Absent from controls (or at extremely low frequency if recessive) in Genome Aggregation Database.

NM_016532.4(INPP5K):c.555-1G>A

Gene: INPP5K (inositol polyphosphate-5-phosphatase K; minus strand). Cytogenetic location: 17p13.3.
Variant type: single nucleotide variant.
Coding change: c.555-1G>A on transcript NM_016532.4 (MANE Select); the canonical splice acceptor site of the intron before coding-DNA position 555, G replaced by A.
Molecular consequence: splice acceptor variant.
Genome position (GRCh38, 1-based): chr17:1,508,227, C>T on the plus strand (G>A on the coding strand, the complement: INPP5K is on the minus strand). VCF-style: chr17-1508227-C-T. GRCh37 (hg19) VCF-style: chr17-1411521-C-T.
Other names: c.327-1G>A (NM_130766.3, NM_001135642.2).
Identifiers: ClinVar variation 5005694 (VCV005005694.2).